The following is an entry in ClinVar:

NM_000348.4(SRD5A2):c.81_94delCGCGAAGCCCTCCG (p.Ala28Leufs)

Gene: SRD5A2 (steroid 5 alpha-reductase 2; minus strand). Cytogenetic location: 2p23.1.
Variant type: Deletion.
Coding change: c.81_94delCGCGAAGCCCTCCG on transcript NM_000348.4; coding-DNA positions 81 to 94, CGCGAAGCCCTCCG deleted.
Protein change: p.Ala28Leufs; shifts the reading frame from alanine 28.
Identifiers: ClinVar variation 2962602 (VCV002962602.3), dbSNP rs782761865.

ClinVar aggregate classification (germline): Pathogenic (1 of 4 stars; one submission).

Conditions:
3-Oxo-5 alpha-steroid delta 4-dehydrogenase deficiency (PPSH). Also called: 46,XY disorder of sex development due to 5-alpha-reductase 2 deficiency; PSEUDOVAGINAL PERINEOSCROTAL HYPOSPADIAS; FAMILIAL INCOMPLETE MALE PSEUDOHERMAPHRODITISM, TYPE 2; MALE PSEUDOHERMAPHRODITISM DUE TO 5-ALPHA-REDUCTASE DEFICIENCY. Identifiers: Orphanet 753, MedGen C0268297, MONDO:0009923, OMIM 264600. Disease mechanism: loss of function.

Submission:

Labcorp Genetics (formerly Invitae), Labcorp
Classification: Pathogenic for 3-Oxo-5 alpha-steroid delta 4-dehydrogenase deficiency. Last evaluated: 2023-10-25. Review status: criteria provided, single submitter. Criteria: Invitae Variant Classification Sherloc (09022015). Collection method: clinical testing. Allele origin: germline.
Comment: This sequence change creates a premature translational stop signal (p.Ala28Leufs*103) in the SRD5A2 gene. It is expected to result in an absent or disrupted protein product. Loss-of-function variants in SRD5A2 are known to be pathogenic (PMID: 1406794, 1944596). This variant is present in population databases (rs782761865, gnomAD 20%). This premature translational stop signal has been observed in individual(s) with SRD5A2-related conditions (PMID: 32567554, 36617173). ClinVar contains an entry for this variant (Variation ID: 988311). For these reasons, this variant has been classified as Pathogenic.

Literature cited by the submitters: PubMed 1406794; PubMed 1944596; PubMed 32567554; PubMed 36617173.